The following is an entry in ClinVar:

NM_000233.4(LHCGR):c.47T>A (p.Leu16Gln)

Genes: LHCGR (luteinizing hormone/choriogonadotropin receptor; minus strand), STON1-GTF2A1L (STON1-GTF2A1L readthrough; plus strand). Cytogenetic location: 2p16.3.
Variant type: single nucleotide variant.
Coding change: c.47T>A on transcript NM_000233.4 (MANE Select); coding-DNA position 47, T replaced by A.
Protein change: p.Leu16Gln; replaces leucine 16 with glutamine.
Molecular consequence: missense variant. On other transcripts: intron variant (1).
Genome position (GRCh38, 1-based): chr2:48,755,625, A>T on the plus strand (T>A on the coding strand, the complement: LHCGR is on the minus strand). VCF-style: chr2-48755625-A-T. GRCh37 (hg19) VCF-style: chr2-48982764-A-T.
Other names: c.3442-20655A>T (NM_001198593.2); short protein forms L16Q.
Identifiers: ClinVar variation 1679516 (VCV001679516.3), dbSNP rs4539842, ClinGen allele CA1653498.
Genomic context (GRCh38, chr2:48,755,625, plus strand): 5'-CAGTTGCAGGGCTCAGGGCAGAGCGCCTCGCGCAGCGCTCGTGGCAGCGGCGGCTGCAGC[A>T]GCAGCAGCAGCTTCAGCAGCTGCAGCGCCGAGAACCGCTGCTTCATGGCCGGCGAACTGG-3'
Protein context (NP_000224.2, residues 6-26): SALQLLKLLL[Leu16Gln]LQPPLPRALR

ClinVar aggregate classification (germline): Uncertain significance (1 of 4 stars; one submission).

Allele frequency attached by ClinVar (database versions not stated): gnomAD 0.00001; gnomAD exomes 0.00006 and 0.00011; ExAC 0.00009.
gnomAD v4.1: 58 of 1,128,854 alleles (0.0051%); highest among the groups gnomAD compares: Non-Finnish European, 0.0066%; no homozygotes.

Submission:

Centre of Medical Genetics, University Hospital Muenster
Classification: Uncertain significance. Last evaluated: 2021-12-21. Review status: criteria provided, single submitter. Criteria: ACMG Guidelines, 2015. Collection method: clinical testing. Allele origin: unknown. Affected: yes. Observed: 1 variant allele, 1 heterozygote.
Comment: ACMG categories: PM2,PP3